The following is an entry in ClinVar:

NM_000384.3(APOB):c.8275T>A (p.Tyr2759Asn)

Gene: APOB (apolipoprotein B; minus strand). Cytogenetic location: 2p24.1.
Variant type: single nucleotide variant.
Coding change: c.8275T>A on transcript NM_000384.3 (MANE Select); coding-DNA position 8275, T replaced by A.
Protein change: p.Tyr2759Asn; replaces tyrosine 2759 with asparagine.
Molecular consequence: missense variant.
Genome position (GRCh38, 1-based): chr2:21,008,593, A>T on the plus strand (T>A on the coding strand, the complement: APOB is on the minus strand). VCF-style: chr2-21008593-A-T. GRCh37 (hg19) VCF-style: chr2-21231465-A-T.
Other names: short protein forms Y2759N.
Identifiers: ClinVar variation 4526162 (VCV004526162.1).

ClinVar aggregate classification (germline): Uncertain significance (1 of 4 stars; one submission).

Submission:

Women's Health and Genetics/Laboratory Corporation of America, LabCorp
Classification: Uncertain significance. Last evaluated: 2025-07-28. Review status: criteria provided, single submitter. Criteria: LabCorp Variant Classification Summary - May 2015. Collection method: clinical testing. Allele origin: germline.
Comment: Variant summary: APOB c.8275T>A (p.Tyr2759Asn) results in a non-conservative amino acid change in the encoded protein sequence. Algorithms developed to predict the effect of missense changes on protein structure and function are either unavailable or do not agree on the potential impact of this missense change. The variant was absent in 250430 control chromosomes. The available data on variant occurrences in the general population are insufficient to allow any conclusion about variant significance. To our knowledge, no occurrence of c.8275T>A in individuals affected with Familial Hypobetalipoproteinemia 1 Recessive and no experimental evidence demonstrating its impact on protein function have been reported. No submitters have cited clinical-significance assessments for this variant to ClinVar. Based on the evidence outlined above, the variant was classified as uncertain significance.